The following is an entry in ClinVar:

NM_033409.4(SLC52A3):c.959C>G (p.Ser320Cys)

Gene: SLC52A3 (solute carrier family 52 member 3; minus strand). Cytogenetic location: 20p13.
Variant type: single nucleotide variant.
Coding change: c.959C>G on transcript NM_033409.4 (MANE Select); coding-DNA position 959, C replaced by G.
Protein change: p.Ser320Cys; replaces serine 320 with cysteine.
Molecular consequence: missense variant.
Genome position (GRCh38, 1-based): chr20:763,612, G>C on the plus strand (C>G on the coding strand, the complement: SLC52A3 is on the minus strand). VCF-style: chr20-763612-G-C. GRCh37 (hg19) VCF-style: chr20-744256-G-C.
Other names: c.959C>G, p.Ser320Cys (NM_001370085.1, NM_001370086.1); short protein forms S320C.
Identifiers: ClinVar variation 1037673 (VCV001037673.11), dbSNP rs535368648, ClinGen allele CA9724640.
Genomic context (GRCh38, chr20:763,612, plus strand): 5'-AGGGTGGCAGCCAGGTGGTAGGCAACTGGCCCATAGGACAGGCAGGAGTAGGTCTGCACA[G>C]AGGGCAGCATGCCGTTGGTGAGCGCGTTGACGAAGGCCACCAGGGTATAGATGAAGGCCA-3'
Protein context (NP_212134.3, residues 310-330): VNALTNGMLP[Ser320Cys]VQTYSCLSYG

ClinVar aggregate classification (germline): Uncertain significance. Review status: criteria provided, multiple submitters, no conflicts (2 of 4 stars). 2 submissions from 2 submitters: Uncertain significance (2). Last evaluated 2023-08-17.

Conditions:
Inborn genetic diseases. Identifiers: MedGen C0950123, MeSH D030342.
Brown-Vialetto-van Laere syndrome 1. Also called: BROWN-VIALETTO-VAN LAERE SYNDROME 1, MILD; BULBAR PALSY, PROGRESSIVE, WITH SENSORINEURAL DEAFNESS; PONTOBULBAR PALSY WITH DEAFNESS. Identifiers: Orphanet 572550, Orphanet 97229, MedGen C0796274, MONDO:0024537, OMIM 211530.

Allele frequency attached by ClinVar (database versions not stated): 1000 Genomes Project 30x 0.00047; gnomAD 0.00002 and 0.00003; TOPMed 0.00005; 1000 Genomes Project 0.00040; ExAC 0.00002.
gnomAD v4.1: 7 of 1,614,240 alleles (0.00043%); highest among the groups gnomAD compares: African/African-American, 0.0067%; 1 homozygote.

Submissions (2):

Labcorp Genetics (formerly Invitae), Labcorp
Classification: Uncertain significance for Brown-Vialetto-van Laere syndrome 1. Last evaluated: 2023-08-17. Review status: criteria provided, single submitter. Criteria: Invitae Variant Classification Sherloc (09022015). Collection method: clinical testing. Allele origin: germline.
Comment: This sequence change replaces serine, which is neutral and polar, with cysteine, which is neutral and slightly polar, at codon 320 of the SLC52A3 protein (p.Ser320Cys). This variant is present in population databases (rs535368648, gnomAD 0.01%), including at least one homozygous and/or hemizygous individual. This variant has not been reported in the literature in individuals affected with SLC52A3-related conditions. ClinVar contains an entry for this variant (Variation ID: 1037673). In summary, the available evidence is currently insufficient to determine the role of this variant in disease. Therefore, it has been classified as a Variant of Uncertain Significance. Advanced modeling of protein sequence and biophysical properties (such as structural, functional, and spatial information, amino acid conservation, physicochemical variation, residue mobility, and thermodynamic stability) has been performed at Invitae for this missense variant, however the output from this modeling did not meet the statistical confidence thresholds required to predict the impact of this variant on SLC52A3 protein function.

Ambry Genetics
Classification: Uncertain significance for Inborn genetic diseases. Last evaluated: 2020-03-16. Review status: criteria provided, single submitter. Criteria: Ambry Variant Classification Scheme 2023. Collection method: clinical testing. Allele origin: germline.
Comment: The p.S320C variant (also known as c.959C>G), located in coding exon 2 of the SLC52A3 gene, results from a C to G substitution at nucleotide position 959. The serine at codon 320 is replaced by cysteine, an amino acid with dissimilar properties. This amino acid position is highly conserved in available vertebrate species. In addition, this alteration is predicted to be deleterious by in silico analysis. Since supporting evidence is limited at this time, the clinical significance of this alteration remains unclear.